The following is an entry in ClinVar:

ClinVar aggregate classification (germline): Likely pathogenic (1 of 4 stars; one submission).

Conditions:
Congenital microvillous atrophy (DIAR2). Also called: CONGENITAL FAMILIAL PROTRACTED DIARRHEA WITH ENTEROCYTE BRUSH-BORDER ABNORMALITIES; DAVIDSON DISEASE; Microvillus inclusion disease; MICROVILLUS ATROPHY, CONGENITAL; Diarrhea 2 with microvillus atrophy, with or without cholestasis. Identifiers: Orphanet 2290, MedGen C0341306, MONDO:0009635, OMIM 251850.

Submission:

3billion
Classification: Likely pathogenic for Congenital microvillous atrophy. Last evaluated: 2022-01-03. Review status: criteria provided, single submitter. Criteria: ACMG Guidelines, 2015. Collection method: clinical testing. Allele origin: germline. Affected: yes. Observed: 1 heterozygote.
Comment: Frameshift: predicted to result in a loss or disruption of normal protein function through nonsense-mediated decay (NMD) or protein truncation. Multiple pathogenic variants are reported downstream of the variant (PVS1_VS). It is not observed in the gnomAD v2.1.1 dataset (PM2_M). Therefore, this variant is classified as likely pathogenic according to the recommendation of ACMG/AMP guideline.

NM_001080467.3(MYO5B):c.284_285del (p.Glu95fs)

Gene: MYO5B (myosin VB; minus strand). Cytogenetic location: 18q21.1.
Variant type: Deletion.
Coding change: c.284_285del on transcript NM_001080467.3 (MANE Select); coding-DNA positions 284 to 285, 2 bases deleted (AG; older notation c.284_285delAG).
Protein change: p.Glu95fs; shifts the reading frame from glutamic acid 95.
Molecular consequence: frameshift variant.
Genome position (GRCh38, 1-based): chr18:50,040,168-50,040,169, CT deleted on the plus strand (AG on the coding strand, the reverse complement: MYO5B is on the minus strand); deleting any 2 consecutive bases within chr18:50,040,168-50,040,170 gives the same sequence; the c. name uses the placement nearest the transcript's 3' end. VCF-style (leftmost placement, unchanged base first): chr18-50040167-ACT-A. GRCh37 (hg19) VCF-style: chr18-47566537-ACT-A.
Other names: short protein forms E95fs.
Identifiers: ClinVar variation 1333637 (VCV001333637.1), dbSNP rs2144390075, ClinGen allele CA2573054675.